The following is an entry in ClinVar:

NM_001846.4(COL4A2):c.912+18T>G

Gene: COL4A2 (collagen type IV alpha 2 chain; plus strand). Cytogenetic location: 13q34.
Variant type: single nucleotide variant.
Coding change: c.912+18T>G on transcript NM_001846.4 (MANE Select); 18 bases into the intron after coding-DNA position 912, T replaced by G.
Molecular consequence: intron variant.
Genome position (GRCh38, 1-based): chr13:110,438,686, T>G. VCF-style: chr13-110438686-T-G. GRCh37 (hg19) VCF-style: chr13-111091033-T-G.
Identifiers: ClinVar variation 1952939 (VCV001952939.5), dbSNP rs749681292, ClinGen allele CA7049210.

ClinVar aggregate classification (germline): Uncertain significance (1 of 4 stars; one submission).

gnomAD v4.1: 2 of 1,614,220 alleles (0.00012%); highest among the groups gnomAD compares: Admixed American, 0.0033%; no homozygotes.

Submission:

Labcorp Genetics (formerly Invitae), Labcorp
Classification: Uncertain significance. Last evaluated: 2022-08-27. Review status: criteria provided, single submitter. Criteria: Invitae Variant Classification Sherloc (09022015). Collection method: clinical testing. Allele origin: germline.
Comment: In summary, the available evidence is currently insufficient to determine the role of this variant in disease. Therefore, it has been classified as a Variant of Uncertain Significance. Algorithms developed to predict the effect of sequence changes on RNA splicing suggest that this variant may disrupt the consensus splice site. This variant has not been reported in the literature in individuals affected with COL4A2-related conditions. This variant is present in population databases (rs749681292, gnomAD 0.006%). This sequence change falls in intron 15 of the COL4A2 gene. It does not directly change the encoded amino acid sequence of the COL4A2 protein.